The following is an entry in ClinVar:

NM_001200.4(BMP2):c.1172A>T (p.Glu391Val)

Gene: BMP2 (bone morphogenetic protein 2; plus strand). Cytogenetic location: 20p12.3.
Variant type: single nucleotide variant.
Coding change: c.1172A>T on transcript NM_001200.4 (MANE Select); coding-DNA position 1172, A replaced by T.
Protein change: p.Glu391Val; replaces glutamic acid 391 with valine.
Molecular consequence: missense variant.
Genome position (GRCh38, 1-based): chr20:6,779,070, A>T. VCF-style: chr20-6779070-A-T. GRCh37 (hg19) VCF-style: chr20-6759717-A-T.
Other names: short protein forms E391V.
Identifiers: ClinVar variation 4732903 (VCV004732903.1).

ClinVar aggregate classification (germline): Uncertain significance (1 of 4 stars; one submission).

Submission:

Labcorp Genetics (formerly Invitae), Labcorp
Classification: Uncertain significance. Last evaluated: 2025-12-15. Review status: criteria provided, single submitter. Criteria: Invitae Variant Classification Sherloc (09022015). Collection method: clinical testing. Allele origin: germline.
Comment: This sequence change replaces glutamic acid, which is acidic and polar, with valine, which is neutral and non-polar, at codon 391 of the BMP2 protein (p.Glu391Val). This variant is not present in population databases (gnomAD no frequency). This variant has not been reported in the literature in individuals affected with BMP2-related conditions. An algorithm developed to predict the effect of missense changes on protein structure and function (PolyPhen-2) suggests that this variant is likely to be disruptive. In summary, the available evidence is currently insufficient to determine the role of this variant in disease. Therefore, it has been classified as a Variant of Uncertain Significance.